The following is an entry in ClinVar:

NM_001042492.3(NF1):c.2723_2724del (p.Lys908fs)

Gene: NF1 (neurofibromin 1; plus strand). Cytogenetic location: 17q11.2.
Variant type: Deletion.
Coding change: c.2723_2724del on transcript NM_001042492.3 (MANE Select); coding-DNA positions 2723 to 2724, 2 bases deleted (AA; older notation c.2723_2724delAA).
Protein change: p.Lys908fs; shifts the reading frame from lysine 908.
Molecular consequence: frameshift variant.
Genome position (GRCh38, 1-based): chr17:31,229,338-31,229,339, AA deleted; deleting any 2 consecutive bases within chr17:31,229,337-31,229,339 gives the same sequence; the c. name uses the placement nearest the transcript's 3' end. VCF-style (leftmost placement, unchanged base first): chr17-31229336-GAA-G. GRCh37 (hg19) VCF-style: chr17-29556354-GAA-G.
Other names: c.2723_2724del, p.Lys908fs (NM_000267.4); short protein forms K908fs.
Identifiers: ClinVar variation 4854357 (VCV004854357.1).

ClinVar aggregate classification (germline): Likely pathogenic (1 of 4 stars; one submission).

Conditions:
Neurofibromatosis, type 1 (NF1). Also called: NEUROFIBROMATOSIS, TYPE I, SOMATIC; VON RECKLINGHAUSEN DISEASE; Neurofibromatosis, type I; Peripheral type neurofibromatosis. Identifiers: Orphanet 636, MedGen C0027831, MONDO:0018975, OMIM 162200. Disease mechanism: loss of function.

Submission:

3billion
Classification: Likely pathogenic for Neurofibromatosis, type 1. Last evaluated: 2025-05-15. Review status: criteria provided, single submitter. Criteria: ACMG Guidelines, 2015. Collection method: clinical testing. Allele origin: germline. Affected: yes.
Comment: The variant is not observed in the gnomAD v4.1.0 dataset. Predicted Consequence/Location: Frameshift: predicted to result in a loss or disruption of normal protein function through nonsense-mediated decay (NMD) or protein truncation. Multiple pathogenic variants are reported downstream of the variant. Therefore, this variant is classified as Likely pathogenic according to the recommendation of ACMG/AMP guideline.